The following is an entry in ClinVar:

ClinVar aggregate classification (germline): Uncertain significance (1 of 4 stars; one submission).

Conditions:
Neuronal ceroid lipofuscinosis. Also called: Neuronal Ceroid Lipofuscinoses. Identifiers: Orphanet 216, Orphanet 79263, MedGen C0027877, MONDO:0016295. Disease mechanism: loss of function.

Allele frequency attached by ClinVar (database versions not stated): TOPMed below 0.00001.

Submission:

Labcorp Genetics (formerly Invitae), Labcorp
Classification: Uncertain significance for Neuronal ceroid lipofuscinosis. Last evaluated: 2021-10-28. Review status: criteria provided, single submitter. Criteria: Invitae Variant Classification Sherloc (09022015). Collection method: clinical testing. Allele origin: germline.
Comment: This sequence change replaces arginine, which is basic and polar, with glutamine, which is neutral and polar, at codon 70 of the CLN5 protein (p.Arg70Gln). This variant is not present in population databases (gnomAD no frequency). This variant has not been reported in the literature in individuals affected with CLN5-related conditions. Algorithms developed to predict the effect of missense changes on protein structure and function (SIFT, PolyPhen-2, Align-GVGD) all suggest that this variant is likely to be tolerated. In summary, the available evidence is currently insufficient to determine the role of this variant in disease. Therefore, it has been classified as a Variant of Uncertain Significance.

NM_006493.4(CLN5):c.62G>A (p.Arg21Gln)

Genes: CLN5 (CLN5 lysosomal BMP synthase; plus strand), LOC130009913 (ATAC-STARR-seq lymphoblastoid silent region 5414; plus strand). Cytogenetic location: 13q22.3.
Variant type: single nucleotide variant.
Coding change: c.62G>A on transcript NM_006493.4 (MANE Select); coding-DNA position 62, G replaced by A.
Protein change: p.Arg21Gln; replaces arginine 21 with glutamine.
Molecular consequence: missense variant.
Genome position (GRCh38, 1-based): chr13:76,992,160, G>A. VCF-style: chr13-76992160-G-A. GRCh37 (hg19) VCF-style: chr13-77566295-G-A.
Other names: c.62G>A, p.Arg21Gln (NM_001366624.2); short protein forms R21Q.
Identifiers: ClinVar variation 1406542 (VCV001406542.3), dbSNP rs2034188293, ClinGen allele CA388306433.